The following is an entry in ClinVar:

ClinVar aggregate classification (germline): Uncertain significance (1 of 4 stars; one submission).

Conditions:
Dyskeratosis congenita, autosomal dominant 2. Identifiers: MedGen C3151443, MONDO:0013521, OMIM 613989.
Idiopathic Pulmonary Fibrosis. Also called: Idiopathic fibrosing alveolitis, chronic form; idiopathic fibrosing alveolitis. Identifiers: Orphanet 2032, MedGen C1800706, MeSH D054990, MONDO:0800504.

Submission:

Labcorp Genetics (formerly Invitae), Labcorp
Classification: Uncertain significance for Dyskeratosis congenita, autosomal dominant 2; Idiopathic Pulmonary Fibrosis. Last evaluated: 2025-08-03. Review status: criteria provided, single submitter. Criteria: Invitae Variant Classification Sherloc (09022015). Collection method: clinical testing. Allele origin: germline.
Comment: This sequence change replaces valine, which is neutral and non-polar, with leucine, which is neutral and non-polar, at codon 407 of the TERT protein (p.Val407Leu). This variant is not present in population databases (gnomAD no frequency). This variant has not been reported in the literature in individuals affected with TERT-related conditions. ClinVar contains an entry for this variant (Variation ID: 1004866). Invitae Evidence Modeling of protein sequence and biophysical properties (such as structural, functional, and spatial information, amino acid conservation, physicochemical variation, residue mobility, and thermodynamic stability) indicates that this missense variant is not expected to disrupt TERT protein function with a negative predictive value of 95%. In summary, the available evidence is currently insufficient to determine the role of this variant in disease. Therefore, it has been classified as a Variant of Uncertain Significance.

NM_198253.3(TERT):c.1219G>C (p.Val407Leu)

Gene: TERT (telomerase reverse transcriptase; minus strand). Cytogenetic location: 5p15.33.
Variant type: single nucleotide variant.
Coding change: c.1219G>C on transcript NM_198253.3 (MANE Select); coding-DNA position 1219, G replaced by C.
Protein change: p.Val407Leu; replaces valine 407 with leucine.
Molecular consequence: missense variant. On other transcripts: non-coding transcript variant (2).
Genome position (GRCh38, 1-based): chr5:1,293,667, C>G on the plus strand (G>C on the coding strand, the complement: TERT is on the minus strand). VCF-style: chr5-1293667-C-G. GRCh37 (hg19) VCF-style: chr5-1293782-C-G.
Other names: c.1219G>C, p.Val407Leu (NM_001193376.3); short protein forms V407L.
Identifiers: ClinVar variation 1004866 (VCV001004866.9), dbSNP rs1751148544, ClinGen allele CA359086505.